The following is an entry in ClinVar:

NM_006015.6(ARID1A):c.491C>T (p.Ala164Val)

Gene: ARID1A (AT-rich interaction domain 1A; plus strand). Cytogenetic location: 1p36.11.
Variant type: single nucleotide variant.
Coding change: c.491C>T on transcript NM_006015.6 (MANE Select); coding-DNA position 491, C replaced by T.
Protein change: p.Ala164Val; replaces alanine 164 with valine.
Molecular consequence: missense variant.
Genome position (GRCh38, 1-based): chr1:26,696,894, C>T. VCF-style: chr1-26696894-C-T. GRCh37 (hg19) VCF-style: chr1-27023385-C-T.
Other names: c.491C>T, p.Ala164Val (NM_139135.4); short protein forms A164V.
Identifiers: ClinVar variation 2968520 (VCV002968520.3), dbSNP rs1047141362, ClinGen allele CA19640791.

ClinVar aggregate classification (germline): Uncertain significance (1 of 4 stars; one submission).

Allele frequency attached by ClinVar (database versions not stated): gnomAD exomes below 0.00001; gnomAD 0.00003; TOPMed 0.00003.
gnomAD v4.1: 7 of 1,372,476 alleles (0.00051%); highest among the groups gnomAD compares: African/African-American, 0.0076%; no homozygotes.

Submission:

Labcorp Genetics (formerly Invitae), Labcorp
Classification: Uncertain significance. Last evaluated: 2024-12-20. Review status: criteria provided, single submitter. Criteria: Invitae Variant Classification Sherloc (09022015). Collection method: clinical testing. Allele origin: germline.
Comment: This sequence change replaces alanine, which is neutral and non-polar, with valine, which is neutral and non-polar, at codon 164 of the ARID1A protein (p.Ala164Val). This variant is not present in population databases (gnomAD no frequency). This variant has not been reported in the literature in individuals affected with ARID1A-related conditions. ClinVar contains an entry for this variant (Variation ID: 2968520). Invitae Evidence Modeling of protein sequence and biophysical properties (such as structural, functional, and spatial information, amino acid conservation, physicochemical variation, residue mobility, and thermodynamic stability) indicates that this missense variant is not expected to disrupt ARID1A protein function with a negative predictive value of 95%. In summary, the available evidence is currently insufficient to determine the role of this variant in disease. Therefore, it has been classified as a Variant of Uncertain Significance.